The following is an entry in ClinVar:

NM_024580.6(EFL1):c.1174A>C (p.Thr392Pro)

Gene: EFL1 (elongation factor like GTPase 1; minus strand). Cytogenetic location: 15q25.2.
Variant type: single nucleotide variant.
Coding change: c.1174A>C on transcript NM_024580.6 (MANE Select); coding-DNA position 1174, A replaced by C.
Protein change: p.Thr392Pro; replaces threonine 392 with proline.
Molecular consequence: missense variant. On other transcripts: non-coding transcript variant (1).
Genome position (GRCh38, 1-based): chr15:82,227,468, T>G on the plus strand (A>C on the coding strand, the complement: EFL1 is on the minus strand). VCF-style: chr15-82227468-T-G. GRCh37 (hg19) VCF-style: chr15-82519809-T-G.
Other names: c.1021A>C, p.Thr341Pro (NM_001040610.3); c.385A>C, p.Thr129Pro (NM_001322844.2); c.1174A>C, p.Thr392Pro (NM_001322845.2); short protein forms T129P, T392P, T341P.
Identifiers: ClinVar variation 1386225 (VCV001386225.8), dbSNP rs1256222296, ClinGen allele CA393277009.

ClinVar aggregate classification (germline): Uncertain significance (1 of 4 stars; one submission).

Allele frequency attached by ClinVar (database versions not stated): gnomAD 0.00001.

Submission:

Labcorp Genetics (formerly Invitae), Labcorp
Classification: Uncertain significance. Last evaluated: 2024-03-28. Review status: criteria provided, single submitter. Criteria: Invitae Variant Classification Sherloc (09022015). Collection method: clinical testing. Allele origin: germline.
Comment: This sequence change replaces threonine, which is neutral and polar, with proline, which is neutral and non-polar, at codon 392 of the EFL1 protein (p.Thr392Pro). This variant is not present in population databases (gnomAD no frequency). This variant has not been reported in the literature in individuals affected with EFL1-related conditions. ClinVar contains an entry for this variant (Variation ID: 1386225). An algorithm developed to predict the effect of missense changes on protein structure and function (PolyPhen-2) suggests that this variant is likely to be disruptive. In summary, the available evidence is currently insufficient to determine the role of this variant in disease. Therefore, it has been classified as a Variant of Uncertain Significance.